The following is an entry in ClinVar:

NM_006019.4(TCIRG1):c.1887+3G>C

Gene: TCIRG1 (T cell immune regulator 1, ATPase H+ transporting V0 subunit a3; plus strand). Cytogenetic location: 11q13.2.
Variant type: single nucleotide variant.
Coding change: c.1887+3G>C on transcript NM_006019.4 (MANE Select); 3 bases into the intron after coding-DNA position 1887, G replaced by C.
Molecular consequence: intron variant.
Genome position (GRCh38, 1-based): chr11:68,049,297, G>C. VCF-style: chr11-68049297-G-C. GRCh37 (hg19) VCF-style: chr11-67816764-G-C.
Other names: c.993+3G>C (NM_001351059.2); c.1239+3G>C (NM_006053.4).
Identifiers: ClinVar variation 3061904 (VCV003061904.1), dbSNP rs2495659794, ClinGen allele CA2740093073.

ClinVar aggregate classification (germline): Uncertain significance (1 of 4 stars; one submission).

Conditions:
Autosomal recessive osteopetrosis 1. Also called: ALBERS-SCHONBERG DISEASE, AUTOSOMAL RECESSIVE; TCIRG1-Related Autosomal Recessive Osteopetrosis; TCIRG1-Related Osteopetrosis. Identifiers: Orphanet 667, MedGen C1850127, MONDO:0009815, OMIM 259700.

Submission:

MVZ Medizinische Genetik Mainz
Classification: Uncertain significance for Autosomal recessive osteopetrosis 1. Last evaluated: 2024-02-02. Review status: criteria provided, single submitter. Criteria: UK Practice Guidelines For Variant Classification V4 01 2020. Collection method: clinical testing. Allele origin: germline. Inheritance: Autosomal recessive inheritance. Affected: yes. Observed: 1 variant allele.
Comment: PM2_SUP,PM3_SUP,PP3,PP4